The following is an entry in ClinVar:

ClinVar aggregate classification (germline): Uncertain significance. Review status: criteria provided, multiple submitters, no conflicts (2 of 4 stars). 2 submissions from 2 submitters: Uncertain significance (2). Last evaluated 2025-02-16.

Conditions:
Inborn genetic diseases. Identifiers: MedGen C0950123, MeSH D030342.

Submissions (2):

Ambry Genetics
Classification: Uncertain significance for Inborn genetic diseases. Last evaluated: 2025-02-16. Review status: criteria provided, single submitter. Criteria: Ambry Variant Classification Scheme 2023. Collection method: clinical testing. Allele origin: germline.
Comment: The p.E1106D variant (also known as c.3318G>C), located in coding exon 33 of the FANCA gene, results from a G to C substitution at nucleotide position 3318. The glutamic acid at codon 1106 is replaced by aspartic acid, an amino acid with highly similar properties. This amino acid position is conserved. In addition, this alteration is predicted to be tolerated by in silico analysis. Based on the available evidence, the clinical significance of this variant remains unclear.

GeneDx
Classification: Uncertain significance. Last evaluated: 2024-12-15. Review status: criteria provided, single submitter. Criteria: GeneDx Variant Classification Process June 2021. Collection method: clinical testing. Allele origin: germline. Affected: yes.
Comment: Not observed at significant frequency in large population cohorts (gnomAD); In silico analysis indicates that this missense variant does not alter protein structure/function; Has not been previously published as pathogenic or benign to our knowledge

NM_000135.4(FANCA):c.3318G>C (p.Glu1106Asp)

Gene: FANCA (FA complementation group A; minus strand). Cytogenetic location: 16q24.3.
Variant type: single nucleotide variant.
Coding change: c.3318G>C on transcript NM_000135.4 (MANE Select); coding-DNA position 3318, G replaced by C.
Protein change: p.Glu1106Asp; replaces glutamic acid 1106 with aspartic acid.
Molecular consequence: missense variant.
Genome position (GRCh38, 1-based): chr16:89,748,689, C>G on the plus strand (G>C on the coding strand, the complement: FANCA is on the minus strand). VCF-style: chr16-89748689-C-G. GRCh37 (hg19) VCF-style: chr16-89815097-C-G.
Other names: c.3318G>C, p.Glu1106Asp (NM_001286167.3); short protein forms E1106D.
Identifiers: ClinVar variation 3848249 (VCV003848249.2).